The following is an entry in ClinVar:

NM_025114.4(CEP290):c.5230C>T (p.Leu1744Phe)

Gene: CEP290 (centrosomal protein 290; minus strand). Cytogenetic location: 12q21.32.
Variant type: single nucleotide variant.
Coding change: c.5230C>T on transcript NM_025114.4 (MANE Select); coding-DNA position 5230, C replaced by T.
Protein change: p.Leu1744Phe; replaces leucine 1744 with phenylalanine.
Molecular consequence: missense variant.
Genome position (GRCh38, 1-based): chr12:88,079,226, G>A on the plus strand (C>T on the coding strand, the complement: CEP290 is on the minus strand). VCF-style: chr12-88079226-G-A. GRCh37 (hg19) VCF-style: chr12-88473003-G-A.
Other names: short protein forms L1744F.
Identifiers: ClinVar variation 2173370 (VCV002173370.2), dbSNP rs1391434429, ClinGen allele CA385990769.
Genomic context (GRCh38, chr12:88,079,226, plus strand): 5'-TAATACGTTCTTCAGCAGCTGCTGTCATTTCTGCCCGGAGTTCTAAAAGTGCCCGACTAA[G>A]TGCCTAAAAATTAACCAAAAAAAAAATGTAATTTTTAAAGGAAAACTGACATTTTATATG-3'
Protein context (NP_079390.3, residues 1734-1754): LALKEKQQKA[Leu1744Phe]SRALLELRAE

ClinVar aggregate classification (germline): Uncertain significance. Review status: criteria provided, multiple submitters, no conflicts (2 of 4 stars). 2 submissions from 2 submitters: Uncertain significance (2). Last evaluated 2022-07-30.

Conditions:
Joubert syndrome. Also called: CEREBELLOPARENCHYMAL DISORDER IV; JOUBERT-BOLTSHAUSER SYNDROME; Familial aplasia of the vermis. Identifiers: Orphanet 475, MedGen C5979921, MONDO:0018772.
Nephronophthisis. Also called: Juvenile Nephronophthisis. Identifiers: Orphanet 655, MedGen C0687120, MONDO:0019005, HP:0000090.
Meckel-Gruber syndrome. Also called: DYSENCEPHALIA SPLANCHNOCYSTICA; GRUBER SYNDROME; Dysencephalia splachnocystica. Identifiers: Orphanet 564, MedGen C0265215, MONDO:0018921.

Allele frequency attached by ClinVar (database versions not stated): gnomAD exomes below 0.00001.
gnomAD v4.1: 3 of 1,582,508 alleles (0.00019%); highest among the groups gnomAD compares: Admixed American, 0.0056%; no homozygotes.

Submissions (2):

Labcorp Genetics (formerly Invitae), Labcorp
Classification: Uncertain significance for Joubert syndrome; Meckel-Gruber syndrome; Nephronophthisis. Last evaluated: 2022-07-30. Review status: criteria provided, single submitter. Criteria: Invitae Variant Classification Sherloc (09022015). Collection method: clinical testing. Allele origin: germline.
Comment: This sequence change replaces leucine, which is neutral and non-polar, with phenylalanine, which is neutral and non-polar, at codon 1744 of the CEP290 protein (p.Leu1744Phe). This variant is present in population databases (no rsID available, gnomAD 0.004%). This variant has not been reported in the literature in individuals affected with CEP290-related conditions. Algorithms developed to predict the effect of missense changes on protein structure and function are either unavailable or do not agree on the potential impact of this missense change (SIFT: "Deleterious"; PolyPhen-2: "Probably Damaging"; Align-GVGD: "Class C15"). In summary, the available evidence is currently insufficient to determine the role of this variant in disease. Therefore, it has been classified as a Variant of Uncertain Significance.

Breakthrough Genomics
Classification: Uncertain significance. Review status: criteria provided, single submitter. Criteria: ACMG Guidelines, 2015. Collection method: not provided. Allele origin: germline. Inheritance: Autosomal recessive inheritance. Affected: yes.